The following is an entry in ClinVar:

NM_003001.5(SDHC):c.160C>A (p.Pro54Thr)

Gene: SDHC (succinate dehydrogenase complex subunit C; plus strand). Cytogenetic location: 1q23.3.
Variant type: single nucleotide variant.
Coding change: c.160C>A on transcript NM_003001.5 (MANE Select); coding-DNA position 160, C replaced by A.
Protein change: p.Pro54Thr; replaces proline 54 with threonine.
Molecular consequence: missense variant. On other transcripts: non-coding transcript variant (1), intron variant (4).
Genome position (GRCh38, 1-based): chr1:161,328,478, C>A. VCF-style: chr1-161328478-C-A. GRCh37 (hg19) VCF-style: chr1-161298268-C-A.
Other names: c.160C>A, p.Pro54Thr (NM_001035511.3, NM_001407115.1); c.103C>A, p.Pro35Thr (NM_001407116.1, NM_001407117.1, NM_001407121.1); c.49C>A, p.Pro17Thr (NM_001407119.1, NM_001407120.1); c.77+4808C>A (NM_001035512.3, NM_001278172.3, NM_001407118.1); c.21-12116C>A (NM_001035513.3); short protein forms P54T, P17T, P35T.
Identifiers: ClinVar variation 465962 (VCV000465962.18), dbSNP rs1553262444, ClinGen allele CA343361279.

ClinVar aggregate classification (germline): Conflicting classifications of pathogenicity. Review status: criteria provided, conflicting classifications (1 of 4 stars). 6 submissions from 6 submitters: Pathogenic (1); Likely pathogenic (2); Uncertain significance (3). Last evaluated 2025-11-25.

Conditions:
Hereditary cancer-predisposing syndrome. Also called: Tumor predisposition; Hereditary neoplastic syndrome; Neoplastic Syndromes, Hereditary; Hereditary Cancer Syndrome. Identifiers: Orphanet 140162, MedGen C0027672, MeSH D009386, MONDO:0015356.
Carney-Stratakis syndrome. Also called: PARAGANGLIOMA AND GASTROINTESTINAL STROMAL TUMOR. Identifiers: Orphanet 97286, MedGen C1847319, MONDO:0011740, OMIM 606864.
Pheochromocytoma/paraganglioma syndrome 3. Also called: SDHC-Related Hereditary Paraganglioma-Pheochromocytoma Syndrome (Paragangliomas 3); GLOMUS TUMORS, FAMILIAL, 3; SDHC-Related Hereditary Paraganglioma-Pheochromocytoma Syndrome; Paragangliomas 3. Identifiers: Orphanet 29072, MedGen C1854336, MONDO:0011544, OMIM 605373.
Gastrointestinal stromal tumor. Also called: Gastrointestinal stroma tumor; Gastrointestinal stromal tumor, somatic. Identifiers: Orphanet 44890, MedGen C0238198, MeSH D046152, MONDO:0011719, OMIM 606764, HP:0100723.
Hereditary pheochromocytoma and paraganglioma. Also called: Hereditary Paraganglioma-Pheochromocytoma Syndromes; Hereditary paragangliomas and pheochromocytomas; Hereditary pheochromocytoma-paraganglioma. Identifiers: Orphanet 29072, MedGen C4274332, MONDO:0017366.

Allele frequency attached by ClinVar (database versions not stated): gnomAD exomes below 0.00001.
gnomAD v4.1: 1 of 1,608,542 alleles (0.000062%); highest among the groups gnomAD compares: Non-Finnish European, 0.000085%; no homozygotes.

Submissions (6):

Labcorp Genetics (formerly Invitae), Labcorp
Classification: Likely pathogenic for Pheochromocytoma/paraganglioma syndrome 3; Gastrointestinal stromal tumor. Last evaluated: 2025-11-25. Review status: criteria provided, single submitter. Criteria: Invitae Variant Classification Sherloc (09022015). Collection method: clinical testing. Allele origin: germline.
Comment: This sequence change replaces proline, which is neutral and non-polar, with threonine, which is neutral and polar, at codon 54 of the SDHC protein (p.Pro54Thr). This variant is not present in population databases (gnomAD no frequency). This missense change has been observed in individuals with gastrointestinal stromal tumors and/or paragangliomas (external communication, internal data). ClinVar contains an entry for this variant (Variation ID: 465962). An algorithm developed to predict the effect of missense changes on protein structure and function (PolyPhen-2) suggests that this variant is likely to be disruptive. In summary, the currently available evidence indicates that the variant is pathogenic, but additional data are needed to prove that conclusively. Therefore, this variant has been classified as Likely Pathogenic.

Color Diagnostics, LLC DBA Color Health
Classification: Likely pathogenic for Hereditary pheochromocytoma and paraganglioma. Last evaluated: 2025-06-25. Review status: criteria provided, single submitter. Criteria: ACMG Guidelines, 2015. Collection method: clinical testing. Allele origin: germline.
Comment: This missense variant replaces proline with threonine at codon 54 of the SDHC protein. Computational prediction suggests that this variant may have deleterious impact on protein structure and function. To our knowledge, functional studies have not been reported for this variant. This variant has been reported in multiple individuals affected with gastrointestinal stromal tumors or paragangliomas (PMID: 27011036, 36449569ClinVar: SCV002703708.2, SCV000641426.7). This variant has not been identified in the general population by the Genome Aggregation Database (gnomAD). Based on the available evidence, this variant is classified as Likely Pathogenic.

Ambry Genetics
Classification: Pathogenic for Hereditary cancer-predisposing syndrome. Last evaluated: 2025-04-09. Review status: criteria provided, single submitter. Criteria: Ambry Variant Classification Scheme 2023. Collection method: clinical testing. Allele origin: germline.
Comment: The p.P54T variant (also known as c.160C>A), located in coding exon 3 of the SDHC gene, results from a C to A substitution at nucleotide position 160. The proline at codon 54 is replaced by threonine, an amino acid with highly similar properties. This variant was reported in individual(s) with features consistent with hereditary pheochromocytoma-paraganglioma (Ambry internal data; external communication). Based on internal structural analysis, this alteration destabilizes the SDHC-SDHB interface to a higher degree than a nearby pathogenic variant (Zhou Q et al. Protein Cell, 2011 Jul;2:531-42; Inaoka DK et al. Int J Mol Sci, 2015 Jul;16:15287-308). This amino acid position is highly conserved in available vertebrate species. In addition, this alteration is predicted to be deleterious by in silico analysis. This variant is considered to be rare based on population cohorts in the Genome Aggregation Database (gnomAD). Based on the supporting evidence, this variant is interpreted as a disease-causing mutation.

All of Us Research Program, National Institutes of Health
Classification: Uncertain significance for Hereditary pheochromocytoma and paraganglioma. Last evaluated: 2024-09-23. Review status: criteria provided, single submitter. Criteria: ACMG Guidelines, 2015. Collection method: clinical testing. Allele origin: germline. Inheritance: Autosomal dominant inheritance. Observed: 1 variant allele, 1 heterozygote.
Comment: This study involves interpretation of variants in research participants for the purpose of population health screening. Participant phenotype was not available at the time of variant classification. Additional details can be found in publication PMID: 35346344, PMCID: PMC8962531

Department of Pathology and Laboratory Medicine, Sinai Health System
Classification: Uncertain significance for Pheochromocytoma/paraganglioma syndrome 3; Gastrointestinal stromal tumor; Carney-Stratakis syndrome. Last evaluated: 2023-05-03. Review status: criteria provided, single submitter. Criteria: ACMG Guidelines, 2015. Collection method: clinical testing. Allele origin: germline. Affected: no.

GeneDx
Classification: Uncertain significance. Last evaluated: 2020-06-29. Review status: criteria provided, single submitter. Criteria: GeneDx Variant Classification Process June 2021. Collection method: clinical testing. Allele origin: germline. Affected: yes.
Comment: Not observed in large population cohorts (Lek 2016); In silico analysis supports that this missense variant has a deleterious effect on protein structure/function; Observed in an individual with an SDH-deficient gastrointestinal stromal tumor (Boikos 2016); This variant is associated with the following publications: (PMID: 27011036)

Literature cited by the submitters: PubMed 27011036 (cited by Color Diagnostics, LLC DBA Color Health); PubMed 36449569 (cited by Color Diagnostics, LLC DBA Color Health).